The following is an entry in ClinVar:

ClinVar aggregate classification (germline): Benign/Likely benign. Review status: criteria provided, multiple submitters, no conflicts (2 of 4 stars). 5 submissions from 5 submitters: Benign (1); Likely benign (2). 2 of the submissions do not count toward it. Last evaluated 2024-10-02.

Allele frequency attached by ClinVar (database versions not stated): ESP Exome Variant Server 0.00113; TOPMed 0.00155; 1000 Genomes Project 0.00220; 1000 Genomes Project 30x 0.00234.
gnomAD v4.1: 357 of 1,573,284 alleles (0.023%); highest among the groups gnomAD compares: African/African-American, 0.45%; 1 homozygote.

Submissions (5):

Blueprint Genetics
Classification: Likely benign. Last evaluated: 2024-10-02. Review status: criteria provided, single submitter. Criteria: ACMG Guidelines, 2015. Collection method: clinical testing. Allele origin: germline.

Women's Health and Genetics/Laboratory Corporation of America, LabCorp
Classification: Benign. Last evaluated: 2023-08-19. Review status: criteria provided, single submitter. Criteria: LabCorp Variant Classification Summary - May 2015. Collection method: clinical testing. Allele origin: germline.

Laboratory for Molecular Medicine, Mass General Brigham Personalized Medicine
Classification: Likely benign. Last evaluated: 2016-11-25. Review status: criteria provided, single submitter. Criteria: LMM Criteria. Collection method: clinical testing. Allele origin: germline. Observed: 2 variant alleles.
Comment: c.-14C>A in the 5'UTR of PRDM16: This variant is not expected to have clinical s ignificance because it has been identified in 0.6% (49/7718) of African chromoso mes by the Exome Aggregation Consortium (ExAC; d bSNP rs180925565).

Clinical Genetics, Academic Medical Center
Classification: Benign. Review status: no assertion criteria provided. Collection method: clinical testing. Allele origin: germline. Affected: yes. Study: VKGL Data-share Consensus. Not counted in ClinVar's aggregate classification.

Diagnostic Laboratory, Department of Genetics, University Medical Center Groningen
Classification: Likely benign. Review status: no assertion criteria provided. Collection method: clinical testing. Allele origin: germline. Affected: yes. Study: VKGL Data-share Consensus. Not counted in ClinVar's aggregate classification.

NM_022114.4(PRDM16):c.-14C>A

Genes: PRDM16 (PR/SET domain 16; plus strand), PRDM16-DT (PRDM16 divergent transcript; minus strand). Cytogenetic location: 1p36.32.
Variant type: single nucleotide variant.
Coding change: c.-14C>A on transcript NM_022114.4 (MANE Select); 14 bases upstream of the start codon, C replaced by A.
Molecular consequence: 5 prime UTR variant.
Genome position (GRCh38, 1-based): chr1:3,069,246, C>A. VCF-style: chr1-3069246-C-A. GRCh37 (hg19) VCF-style: chr1-2985810-C-A.
Other names: c.-14C>A (NM_199454.3).
Identifiers: ClinVar variation 228319 (VCV000228319.10), dbSNP rs180925565, ClinGen allele CA543623.
Genomic context (GRCh38, chr1:3,069,246, plus strand): 5'-GCTGGGGAGATGAAGATAGTGTGTGGCTGCTTCTGGACTCAAGGAGGAGGAGAGAGATTC[C>A]GCGAGCCGACACCATGCGATCCAAGGCGAGGGCGAGGAAGCTAGCCAAAAGTAAGTCTCC-3'